The following is an entry in ClinVar:

ClinVar aggregate classification (germline): Pathogenic (1 of 4 stars; one submission).

gnomAD v4.1: 5 of 1,613,850 alleles (0.00031%); highest among the groups gnomAD compares: African/African-American, 0.0053%; no homozygotes.

Submission:

GeneDx
Classification: Pathogenic. Last evaluated: 2024-11-08. Review status: criteria provided, single submitter. Criteria: GeneDx Variant Classification Process June 2021. Collection method: clinical testing. Allele origin: germline. Affected: yes.
Comment: Nonsense variant predicted to result in protein truncation or nonsense mediated decay in a gene for which loss of function is a known mechanism of disease; Not observed at significant frequency in large population cohorts (gnomAD); Has not been previously published as pathogenic or benign to our knowledge

NM_001384479.1(AGT):c.526C>T (p.Gln176Ter)

Gene: AGT (angiotensinogen; minus strand). Cytogenetic location: 1q42.2.
Variant type: single nucleotide variant.
Coding change: c.526C>T on transcript NM_001384479.1 (MANE Select); coding-DNA position 526, C replaced by T.
Protein change: p.Gln176Ter; replaces glutamine 176 with a stop codon.
Molecular consequence: nonsense.
Genome position (GRCh38, 1-based): chr1:230,710,298, G>A on the plus strand (C>T on the coding strand, the complement: AGT is on the minus strand). VCF-style: chr1-230710298-G-A. GRCh37 (hg19) VCF-style: chr1-230846044-G-A.
Other names: NM_000029.3:c.553C>T; c.526C>T, p.Gln176Ter (NM_001382817.3); short protein forms Q176*.
Identifiers: ClinVar variation 3898867 (VCV003898867.1).